The following is an entry in ClinVar:

ClinVar aggregate classification (germline): Uncertain significance. Review status: criteria provided, multiple submitters, no conflicts (2 of 4 stars). 4 submissions from 4 submitters: Uncertain significance (4). Last evaluated 2026-06-26.

Conditions:
NPHP4-related disorder. Also called: NPHP4-related condition; NPHP4-related disorders. Identifiers: MedGen CN239384.
Nephronophthisis 4 (NPHP4). Also called: NEPHRONOPHTHISIS 4, JUVENILE. Identifiers: Orphanet 655, MedGen C1847013, MONDO:0011752, OMIM 606966.
Senior-Loken syndrome 4 (SLSN4). Identifiers: Orphanet 3156, MedGen C1846979, MONDO:0011756, OMIM 606996.
Nephronophthisis. Also called: Juvenile Nephronophthisis. Identifiers: Orphanet 655, MedGen C0687120, MONDO:0019005, HP:0000090.

Allele frequency attached by ClinVar (database versions not stated): ExAC 0.00005; gnomAD exomes 0.00005 and 0.00003; gnomAD 0.00001; TOPMed 0.00002.
gnomAD v4.1: 71 of 1,612,360 alleles (0.0044%); highest among the groups gnomAD compares: South Asian, 0.0099%; no homozygotes.

Submissions (4):

PreventionGenetics, part of Exact Sciences
Classification: Uncertain significance for NPHP4-related condition. Last evaluated: 2026-06-26. Review status: criteria provided, single submitter. Criteria: ACMG Guidelines, 2015. Collection method: clinical testing. Allele origin: germline.
Comment: The NPHP4 c.1405C>T variant is predicted to result in the amino acid substitution p.Arg469Trp. This variant has been reported along with a second NPHP4 variant in an individual with nephronophthisis (Hoefele et al. 2005. PubMed ID: 15776426; Chaki et al. 2011. PubMed ID: 21866095). This variant is reported in 0.0098% of alleles in individuals of South Asian descent in gnomAD. At this time, the clinical significance of this variant is uncertain due to the absence of conclusive functional and genetic evidence.

Fulgent Genetics
Classification: Uncertain significance for Nephronophthisis 4; Senior-Loken syndrome 4. Last evaluated: 2024-03-27. Review status: criteria provided, single submitter. Criteria: ACMG Guidelines, 2015. Collection method: clinical testing. Allele origin: germline.

Labcorp Genetics (formerly Invitae), Labcorp
Classification: Uncertain significance for Nephronophthisis. Last evaluated: 2021-11-23. Review status: criteria provided, single submitter. Criteria: Invitae Variant Classification Sherloc (09022015). Collection method: clinical testing. Allele origin: germline.
Comment: This sequence change replaces arginine, which is basic and polar, with tryptophan, which is neutral and slightly polar, at codon 469 of the NPHP4 protein (p.Arg469Trp). This variant is present in population databases (rs758253306, gnomAD 0.01%). This missense change has been observed in individual(s) with nephronophthisis (PMID: 15776426). ClinVar contains an entry for this variant (Variation ID: 632112). Algorithms developed to predict the effect of missense changes on protein structure and function are either unavailable or do not agree on the potential impact of this missense change (SIFT: "Deleterious"; PolyPhen-2: "Possibly Damaging"; Align-GVGD: "Class C0"). In summary, the available evidence is currently insufficient to determine the role of this variant in disease. Therefore, it has been classified as a Variant of Uncertain Significance.

Illumina Laboratory Services, Illumina
Classification: Uncertain significance for Senior-Loken syndrome 4. Last evaluated: 2017-10-05. Review status: criteria provided, single submitter. Criteria: ICSL Variant Classification Criteria 13 December 2019. Collection method: clinical testing. Allele origin: germline.

Literature cited by the submitters: PubMed 15776426 (cited by Labcorp Genetics (formerly Invitae), Labcorp).

NM_015102.5(NPHP4):c.1405C>T (p.Arg469Trp)

Gene: NPHP4 (nephrocystin 4; minus strand). Cytogenetic location: 1p36.31.
Variant type: single nucleotide variant.
Coding change: c.1405C>T on transcript NM_015102.5 (MANE Select); coding-DNA position 1405, C replaced by T.
Protein change: p.Arg469Trp; replaces arginine 469 with tryptophan.
Molecular consequence: missense variant. On other transcripts: synonymous variant (2), non-coding transcript variant (1).
Genome position (GRCh38, 1-based): chr1:5,927,685, G>A on the plus strand (C>T on the coding strand, the complement: NPHP4 is on the minus strand). VCF-style: chr1-5927685-G-A. GRCh37 (hg19) VCF-style: chr1-5987745-G-A.
Other names: c.39C>T, p.Ser13= (NM_001291593.2, NM_001291594.2); c.1405C>T (NM_015102.4); short protein forms R469W.
Identifiers: ClinVar variation 632112 (VCV000632112.10), dbSNP rs758253306, ClinGen allele CA554529.